The following is an entry in ClinVar:

NM_001457.4(FLNB):c.6043G>A (p.Gly2015Ser)

Gene: FLNB (filamin B; plus strand). Cytogenetic location: 3p14.3.
Variant type: single nucleotide variant.
Coding change: c.6043G>A on transcript NM_001457.4 (MANE Select); coding-DNA position 6043, G replaced by A.
Protein change: p.Gly2015Ser; replaces glycine 2015 with serine.
Molecular consequence: missense variant.
Genome position (GRCh38, 1-based): chr3:58,148,804, G>A. VCF-style: chr3-58148804-G-A. GRCh37 (hg19) VCF-style: chr3-58134531-G-A.
Other names: c.6136G>A, p.Gly2046Ser (NM_001164317.2); c.6010G>A, p.Gly2004Ser (NM_001164318.2); c.5971G>A, p.Gly1991Ser (NM_001164319.2); short protein forms G2004S, G1991S, G2015S, G2046S.
Identifiers: ClinVar variation 1498961 (VCV001498961.6), dbSNP rs1052013431, ClinGen allele CA75472157.
Genomic context (GRCh38, chr3:58,148,804, plus strand): 5'-GTCCAGTCGGAGATTGGTGACGCCCGCCGAGCCAAAGTCTATGGCCGCGGCCTGTCAGAA[G>A]GCCGGACTTTCGAGATGTCTGACTTCATCGTGGACACAAGGGATGCAGGTCTGTGTGGTC-3'
Protein context (NP_001448.2, residues 2005-2025): AKVYGRGLSE[Gly2015Ser]RTFEMSDFIV

ClinVar aggregate classification (germline): Uncertain significance (1 of 4 stars; one submission).

Allele frequency attached by ClinVar (database versions not stated): TOPMed below 0.00001; gnomAD exomes 0.00001 and 0.00004.
gnomAD v4.1: 61 of 1,614,016 alleles (0.0038%); highest among the groups gnomAD compares: Non-Finnish European, 0.005%; no homozygotes.

Submission:

Labcorp Genetics (formerly Invitae), Labcorp
Classification: Uncertain significance. Last evaluated: 2025-07-03. Review status: criteria provided, single submitter. Criteria: Invitae Variant Classification Sherloc (09022015). Collection method: clinical testing. Allele origin: germline.
Comment: This sequence change replaces glycine, which is neutral and non-polar, with serine, which is neutral and polar, at codon 2015 of the FLNB protein (p.Gly2015Ser). This variant is present in population databases (no rsID available, gnomAD 0.003%). This variant has not been reported in the literature in individuals affected with FLNB-related conditions. ClinVar contains an entry for this variant (Variation ID: 1498961). Invitae Evidence Modeling of protein sequence and biophysical properties (such as structural, functional, and spatial information, amino acid conservation, physicochemical variation, residue mobility, and thermodynamic stability) has been performed for this missense variant. However, the output from this modeling did not meet the statistical confidence thresholds required to predict the impact of this variant on FLNB protein function. In summary, the available evidence is currently insufficient to determine the role of this variant in disease. Therefore, it has been classified as a Variant of Uncertain Significance.